The following is an entry in ClinVar:

ClinVar aggregate classification (germline): Uncertain significance (1 of 4 stars; one submission).

Conditions:
Dyskeratosis congenita. Identifiers: Orphanet 1775, MedGen C0265965, MONDO:0015780.

Submission:

Labcorp Genetics (formerly Invitae), Labcorp
Classification: Uncertain significance for Dyskeratosis congenita. Last evaluated: 2022-12-26. Review status: criteria provided, single submitter. Criteria: Invitae Variant Classification Sherloc (09022015). Collection method: clinical testing. Allele origin: germline.
Comment: This sequence change replaces lysine, which is basic and polar, with methionine, which is neutral and non-polar, at codon 876 of the CTC1 protein (p.Lys876Met). This variant is not present in population databases (gnomAD no frequency). This variant has not been reported in the literature in individuals affected with CTC1-related conditions. Advanced modeling of protein sequence and biophysical properties (such as structural, functional, and spatial information, amino acid conservation, physicochemical variation, residue mobility, and thermodynamic stability) performed at Invitae indicates that this missense variant is not expected to disrupt CTC1 protein function. In summary, the available evidence is currently insufficient to determine the role of this variant in disease. Therefore, it has been classified as a Variant of Uncertain Significance.

NM_025099.6(CTC1):c.2627A>T (p.Lys876Met)

Gene: CTC1 (CST telomere replication complex component 1; minus strand). Cytogenetic location: 17p13.1.
Variant type: single nucleotide variant.
Coding change: c.2627A>T on transcript NM_025099.6 (MANE Select); coding-DNA position 2627, A replaced by T.
Protein change: p.Lys876Met; replaces lysine 876 with methionine.
Molecular consequence: missense variant. On other transcripts: non-coding transcript variant (1).
Genome position (GRCh38, 1-based): chr17:8,231,318, T>A on the plus strand (A>T on the coding strand, the complement: CTC1 is on the minus strand). VCF-style: chr17-8231318-T-A. GRCh37 (hg19) VCF-style: chr17-8134636-T-A.
Other names: c.2627A>T, p.Lys876Met (NM_001411067.1); short protein forms K876M.
Identifiers: ClinVar variation 2186158 (VCV002186158.4), dbSNP rs2507889905, ClinGen allele CA397975459.